The following is an entry in ClinVar:

ClinVar aggregate classification (germline): Uncertain significance (1 of 4 stars; one submission).

Conditions:
Inborn genetic diseases. Identifiers: MedGen C0950123, MeSH D030342.

gnomAD v4.1: 1 of 1,614,136 alleles (0.000062%); highest among the groups gnomAD compares: African/African-American, 0.0013%; no homozygotes.

Submission:

Ambry Genetics
Classification: Uncertain significance for Inborn genetic diseases. Last evaluated: 2023-09-25. Review status: criteria provided, single submitter. Criteria: Ambry Variant Classification Scheme 2023. Collection method: clinical testing. Allele origin: germline.
Comment: The p.P342Q variant (also known as c.1025C>A), located in coding exon 8 of the BUB1B gene, results from a C to A substitution at nucleotide position 1025. The proline at codon 342 is replaced by glutamine, an amino acid with similar properties. This amino acid position is conserved. In addition, this alteration is predicted to be tolerated by in silico analysis. Since supporting evidence is limited at this time, the clinical significance of this alteration remains unclear.

NM_001211.6(BUB1B):c.1025C>A (p.Pro342Gln)

Gene: BUB1B (BUB1 mitotic checkpoint serine/threonine kinase B; plus strand). Cytogenetic location: 15q15.1.
Variant type: single nucleotide variant.
Coding change: c.1025C>A on transcript NM_001211.6 (MANE Select); coding-DNA position 1025, C replaced by A.
Protein change: p.Pro342Gln; replaces proline 342 with glutamine.
Molecular consequence: missense variant.
Genome position (GRCh38, 1-based): chr15:40,185,609, C>A. VCF-style: chr15-40185609-C-A. GRCh37 (hg19) VCF-style: chr15-40477810-C-A.
Other names: short protein forms P342Q.
Identifiers: ClinVar variation 3221323 (VCV003221323.1), dbSNP rs754970139, ClinGen allele CA391685228.